The following is an entry in ClinVar:

NM_004960.3(FUS):c.*2794G>C

Gene: FUS (FUS DNA/RNA binding protein; plus strand). Cytogenetic location: 16p11.2.
Variant type: single nucleotide variant.
Coding change: c.*2794G>C on transcript NM_004960.3; 2794 bases downstream of the stop codon, G replaced by C.
Molecular consequence: 3 prime UTR variant (on NM_001170634.1). On other transcripts: non-coding transcript variant (1).
Genome position (GRCh38, 1-based): chr16:31,194,232, G>C. VCF-style: chr16-31194232-G-C. GRCh37 (hg19) VCF-style: chr16-31205553-G-C.
Other names: c.*2794G>C (NM_001170634.1, NM_001170937.1).
Identifiers: ClinVar variation 319044 (VCV000319044.7), dbSNP rs17839571, ClinGen allele CA8024349.

ClinVar aggregate classification (germline): Benign (1 of 4 stars; one submission).

Conditions:
Amyotrophic lateral sclerosis type 6. Also called: FUS-Related Amyotrophic Laterial Sclerosis; AMYOTROPHIC LATERAL SCLEROSIS 6 WITHOUT FRONTOTEMPORAL DEMENTIA; Amyotrophic lateral sclerosis 6, with or without frontotemporal dementia. Identifiers: Orphanet 275872, Orphanet 803, MedGen C2931786, MONDO:0011951, OMIM 608030.

Allele frequency attached by ClinVar (database versions not stated): TOPMed 0.03345; gnomAD exomes 0.00854 and 0.00695; ExAC 0.00856; gnomAD 0.03067 and 0.03244; 1000 Genomes Project 0.03275; 1000 Genomes Project 30x 0.03498.
gnomAD v4.1: 7,356 of 531,266 alleles (1.4%); highest among the groups gnomAD compares: African/African-American, 9.7%; 295 homozygotes.

Submission:

Illumina Laboratory Services, Illumina
Classification: Benign for Amyotrophic lateral sclerosis type 6. Last evaluated: 2018-01-12. Review status: criteria provided, single submitter. Criteria: ICSL Variant Classification Criteria 13 December 2019. Collection method: clinical testing. Allele origin: germline.
Comment: This variant was observed in the ICSL laboratory as part of a predisposition screen in an ostensibly healthy population. It had not been previously curated by ICSL or reported in the Human Gene Mutation Database (HGMD: prior to June 1st, 2018), and was therefore a candidate for classification through an automated scoring system. Utilizing variant allele frequency, disease prevalence and penetrance estimates, and inheritance mode, an automated score was calculated to assess if this variant is too frequent to cause the disease. Based on the score and internal cut-off values, a variant classified as benign is not then subjected to further curation. The score for this variant resulted in a classification of benign for this disease.